The following is an entry in ClinVar:

NM_022167.4(XYLT2):c.273C>T (p.Pro91=)

Gene: XYLT2 (xylosyltransferase 2; plus strand). Cytogenetic location: 17q21.33.
Variant type: single nucleotide variant.
Coding change: c.273C>T on transcript NM_022167.4 (MANE Select); coding-DNA position 273, C replaced by T.
Protein change: p.Pro91=; no amino-acid change (proline 91 retained).
Molecular consequence: synonymous variant.
Genome position (GRCh38, 1-based): chr17:50,353,767, C>T. VCF-style: chr17-50353767-C-T. GRCh37 (hg19) VCF-style: chr17-48431128-C-T.
Other names: c.273C>T (NM_022167.3).
Identifiers: ClinVar variation 2414705 (VCV002414705.8), dbSNP rs537844860, ClinGen allele CA8646121.

ClinVar aggregate classification (germline): Benign/Likely benign. Review status: criteria provided, multiple submitters, no conflicts (2 of 4 stars). 2 submissions from 2 submitters: Benign (1); Likely benign (1). Last evaluated 2025-10-14.

Conditions:
XYLT2-related disorder. Also called: XYLT2-related condition.

Allele frequency attached by ClinVar (database versions not stated): TOPMed 0.00003; gnomAD 0.00006; gnomAD exomes 0.00009; ExAC 0.00032; 1000 Genomes Project 30x 0.00047; 1000 Genomes Project 0.00060.
gnomAD v4.1: 132 of 1,559,396 alleles (0.0085%); highest among the groups gnomAD compares: South Asian, 0.11%; 1 homozygote.

Submissions (2):

Labcorp Genetics (formerly Invitae), Labcorp
Classification: Benign. Last evaluated: 2025-10-14. Review status: criteria provided, single submitter. Criteria: Invitae Variant Classification Sherloc (09022015). Collection method: clinical testing. Allele origin: germline.

PreventionGenetics, part of Exact Sciences
Classification: Likely benign for XYLT2-related condition. Last evaluated: 2025-03-04. Review status: criteria provided, single submitter. Criteria: ACMG Guidelines, 2015. Collection method: clinical testing. Allele origin: germline.
Comment: This variant is classified as likely benign based on ACMG/AMP sequence variant interpretation guidelines (Richards et al. 2015 PMID: 25741868, with internal and published modifications).